The following is an entry in ClinVar:

NM_001009999.3(KDM1A):c.1021C>A (p.Arg341Ser)

Gene: KDM1A (lysine demethylase 1A; plus strand). Cytogenetic location: 1p36.12.
Variant type: single nucleotide variant.
Coding change: c.1021C>A on transcript NM_001009999.3 (MANE Select); coding-DNA position 1021, C replaced by A.
Protein change: p.Arg341Ser; replaces arginine 341 with serine.
Molecular consequence: missense variant.
Genome position (GRCh38, 1-based): chr1:23,057,514, C>A. VCF-style: chr1-23057514-C-A. GRCh37 (hg19) VCF-style: chr1-23384007-C-A.
Other names: c.961C>A, p.Arg321Ser (NM_001363654.2, NM_001410763.1, NM_015013.4); c.1021C>A, p.Arg341Ser (NM_001410762.1); short protein forms R321S, R341S.
Identifiers: ClinVar variation 3767475 (VCV003767475.1).

ClinVar aggregate classification (germline): Uncertain significance (1 of 4 stars; one submission).

Submission:

GeneDx
Classification: Uncertain significance. Last evaluated: 2024-09-06. Review status: criteria provided, single submitter. Criteria: GeneDx Variant Classification Process June 2021. Collection method: clinical testing. Allele origin: germline. Affected: yes.
Comment: Not observed at significant frequency in large population cohorts (gnomAD); In silico analysis supports that this missense variant has a deleterious effect on protein structure/function; Has not been previously published as pathogenic or benign to our knowledge